The following is an entry in ClinVar:

ClinVar aggregate classification (germline): Likely benign (1 of 4 stars; one submission).

gnomAD v4.1: 182 of 1,608,930 alleles (0.011%); highest among the groups gnomAD compares: East Asian, 0.33%; no homozygotes.

Submission:

GeneDx
Classification: Likely benign. Last evaluated: 2026-03-31. Review status: criteria provided, single submitter. Criteria: GeneDx Variant Classification Process June 2021. Collection method: clinical testing. Allele origin: germline. Affected: yes.
Comment: Alters the Kozak sequence, which plays a major role in the initiation of translation; Has not been previously published as pathogenic or benign to our knowledge; Nucleotide is not conserved across species and the substitution has no predicted effect on splicing

NM_018117.12(WDR11):c.-4C>T

Gene: WDR11 (WD repeat domain 11; plus strand). Cytogenetic location: 10q26.12.
Variant type: single nucleotide variant.
Coding change: c.-4C>T on transcript NM_018117.12 (MANE Select); 4 bases upstream of the start codon, C replaced by T.
Molecular consequence: 5 prime UTR variant.
Genome position (GRCh38, 1-based): chr10:120,851,417, C>T. VCF-style: chr10-120851417-C-T. GRCh37 (hg19) VCF-style: chr10-122610929-C-T.
Identifiers: ClinVar variation 3378060 (VCV003378060.2).